The following is an entry in ClinVar:

NM_031308.4(EPPK1):c.6341G>A (p.Arg2114Lys)

Gene: EPPK1 (epiplakin 1; minus strand). Cytogenetic location: 8q24.3.
Variant type: single nucleotide variant.
Coding change: c.6341G>A on transcript NM_031308.4 (MANE Select); coding-DNA position 6341, G replaced by A.
Protein change: p.Arg2114Lys; replaces arginine 2114 with lysine.
Molecular consequence: missense variant.
Genome position (GRCh38, 1-based): chr8:143,866,913, C>T on the plus strand (G>A on the coding strand, the complement: EPPK1 is on the minus strand). VCF-style: chr8-143866913-C-T. GRCh37 (hg19) VCF-style: chr8-144941081-C-T.
Other names: short protein forms R2114K.
Identifiers: ClinVar variation 3046361 (VCV003046361.2), dbSNP rs141900369, ClinGen allele CA4921812.

ClinVar aggregate classification (germline): Benign (0 of 4 stars; one submission).

Conditions:
EPPK1-related disorder. Also called: EPPK1-related condition.

Allele frequency attached by ClinVar (database versions not stated): ESP Exome Variant Server 0.00032; gnomAD 0.00052; gnomAD exomes 0.00073; 1000 Genomes Project 30x 0.00109; 1000 Genomes Project 0.00120; ExAC 0.00130.
gnomAD v4.1: 1,166 of 1,613,046 alleles (0.072%); highest among the groups gnomAD compares: South Asian, 0.79%; 7 homozygotes.

Submission:

PreventionGenetics, part of Exact Sciences
Classification: Benign for EPPK1-related condition. Last evaluated: 2022-04-01. Review status: no assertion criteria provided. Collection method: clinical testing. Allele origin: germline.
Comment: This variant is classified as benign based on ACMG/AMP sequence variant interpretation guidelines (Richards et al. 2015 PMID: 25741868, with internal and published modifications).